The following is an entry in ClinVar:

ClinVar aggregate classification (germline): Likely benign. Review status: criteria provided, multiple submitters, no conflicts (2 of 4 stars). 5 submissions from 5 submitters: Likely benign (3). 2 of the submissions do not count toward it. Last evaluated 2024-10-17.

Conditions:
Alzheimer disease 3 (AD3). Also called: ALZHEIMER DISEASE, FAMILIAL, 3. Identifiers: Orphanet 1020, MedGen C1843013, MONDO:0011913, OMIM 607822.
Alzheimer disease 2 (AD2). Also called: ALZHEIMER DISEASE 2, LATE-ONSET; ALZHEIMER DISEASE ASSOCIATED WITH APOE4. Identifiers: Orphanet 1020, MedGen C1863051, MONDO:0007089, OMIM 104310.
Alzheimer disease 4 (AD4). Identifiers: Orphanet 1020, MedGen C1847200, MONDO:0011743, OMIM 606889.
Sea-blue histiocyte syndrome. Also called: Sea-blue histiocytosis; SEA-BLUE HISTIOCYTE DISEASE. Identifiers: Orphanet 158029, MedGen C0036489, MONDO:0010017, OMIM 269600, HP:0001982.
Familial type 3 hyperlipoproteinemia. Also called: Apolipoprotein e, deficiency or defect of; Dysbetalipoproteinemia due to defect in apolipoprotein e-d; Familial hyperbeta- and prebetalipoproteinemia; Familial hypercholesterolemia with hyperlipemia; Floating-betalipoproteinemia; Hyperlipemia with familial hypercholesterolemic xanthomatosis. Identifiers: Orphanet 412, MedGen C0020479, MONDO:0018473, OMIM 617347.
Age related macular degeneration 1 (ARMD1). Also called: MACULOPATHY, AGE-RELATED, 1. Identifiers: MedGen C1864205, MONDO:0011285, OMIM 603075.
Lipoprotein glomerulopathy (LPG). Identifiers: Orphanet 329481, MedGen C2673196, MONDO:0012725, OMIM 611771.
APOE-related disorder. Also called: APOE-related condition.
Cardiovascular phenotype. Identifiers: MedGen CN230736.

Allele frequency attached by ClinVar (database versions not stated): ExAC 0.00016; gnomAD exomes 0.00020 and 0.00030; gnomAD 0.00023 and 0.00024; TOPMed 0.00023; ESP Exome Variant Server 0.00031.
gnomAD v4.1: 467 of 1,612,810 alleles (0.029%); highest among the groups gnomAD compares: Non-Finnish European, 0.036%; no homozygotes.

Submissions (5):

PreventionGenetics, part of Exact Sciences
Classification: Likely benign for APOE-related condition. Last evaluated: 2024-10-17. Review status: criteria provided, single submitter. Criteria: ACMG Guidelines, 2015. Collection method: clinical testing. Allele origin: germline.
Comment: This variant is classified as likely benign based on ACMG/AMP sequence variant interpretation guidelines (Richards et al. 2015 PMID: 25741868, with internal and published modifications).

Fulgent Genetics
Classification: Likely benign for Alzheimer disease 2; Sea-blue histiocyte syndrome; Age related macular degeneration 1; Alzheimer disease 4; Alzheimer disease 3; Lipoprotein glomerulopathy; Familial type 3 hyperlipoproteinemia. Last evaluated: 2021-12-17. Review status: criteria provided, single submitter. Criteria: ACMG Guidelines, 2015. Collection method: clinical testing. Allele origin: unknown.

Ambry Genetics
Classification: Likely benign for Cardiovascular phenotype. Last evaluated: 2019-05-20. Review status: criteria provided, single submitter. Criteria: Ambry Variant Classification Scheme 2023. Collection method: clinical testing. Allele origin: germline.

Clinical Genetics, Academic Medical Center
Classification: Likely benign. Review status: no assertion criteria provided. Collection method: clinical testing. Allele origin: germline. Affected: yes. Study: VKGL Data-share Consensus. Not counted in ClinVar's aggregate classification.

Genome Diagnostics Laboratory, Amsterdam University Medical Center
Classification: Likely benign. Review status: no assertion criteria provided. Collection method: clinical testing. Allele origin: germline. Affected: yes. Study: VKGL Data-share Consensus. Not counted in ClinVar's aggregate classification.

NM_000041.4(APOE):c.69G>A (p.Ala23=)

Gene: APOE (apolipoprotein E; plus strand). Cytogenetic location: 19q13.32.
Variant type: single nucleotide variant.
Coding change: c.69G>A on transcript NM_000041.4 (MANE Select); coding-DNA position 69, G replaced by A.
Protein change: p.Ala23=; no amino-acid change (alanine 23 retained).
Molecular consequence: synonymous variant.
Genome position (GRCh38, 1-based): chr19:44,907,785, G>A. VCF-style: chr19-44907785-G-A. GRCh37 (hg19) VCF-style: chr19-45411042-G-A.
Other names: c.147G>A, p.Ala49= (NM_001302688.2); c.69G>A, p.Ala23= (NM_001302689.2, NM_001302690.2, NM_001302691.2); c.69G>A (NM_000041.3).
Identifiers: ClinVar variation 1210034 (VCV001210034.7), dbSNP rs111833428, ClinGen allele CA9505970.